The following is an entry in ClinVar:

ClinVar aggregate classification (germline): Uncertain significance (1 of 4 stars; one submission).

Submission:

CeGaT Center for Human Genetics Tuebingen
Classification: Uncertain significance. Last evaluated: 2025-02-01. Review status: criteria provided, single submitter. Criteria: CeGaT Center For Human Genetics Tuebingen Variant Classification Criteria Version 2. Collection method: clinical testing. Allele origin: germline. Affected: yes. Observed: 1 variant allele.
Comment: HYDIN: PM2, BP4

NM_001270974.2(HYDIN):c.5272G>A (p.Ala1758Thr)

Gene: HYDIN (HYDIN axonemal central pair apparatus protein; minus strand). Cytogenetic location: 16q22.2.
Variant type: single nucleotide variant.
Coding change: c.5272G>A on transcript NM_001270974.2 (MANE Select); coding-DNA position 5272, G replaced by A.
Protein change: p.Ala1758Thr; replaces alanine 1758 with threonine.
Molecular consequence: missense variant.
Genome position (GRCh38, 1-based): chr16:70,973,450, C>T on the plus strand (G>A on the coding strand, the complement: HYDIN is on the minus strand). VCF-style: chr16-70973450-C-T. GRCh37 (hg19) VCF-style: chr16-71007353-C-T.
Other names: short protein forms A1758T.
Identifiers: ClinVar variation 3771067 (VCV003771067.13).
Genomic context (GRCh38, chr16:70,973,450, plus strand): 5'-GATCCAAGACTCCAGAAATGGGCTGGATTTCGAAGATCCGTGTCTTTGGCTTTAATTCAG[C>T]GCGTAGTTTCTGTCTTAAGTACTTCGGCATGTGTTTCTCCAGCTGGTTTATAAATATTAG-3'
Protein context (NP_001257903.1, residues 1748-1768): MPKYLRQKLR[Ala1758Thr]ELKPKTRIFE